The following is an entry in ClinVar:

ClinVar aggregate classification (germline): Likely benign. Review status: criteria provided, multiple submitters, no conflicts (2 of 4 stars). 3 submissions from 3 submitters: Likely benign (3). Last evaluated 2026-01-05.

Conditions:
Familial colorectal cancer type X. Identifiers: Orphanet 440437, MedGen C3896578, MONDO:0018604.
Polymerase proofreading-related adenomatous polyposis. Also called: Polymerase proofreading associated polyposis; Polymerase proofreading–associated polyposis (PPAP). Identifiers: Orphanet 447877, MedGen C5202613, MONDO:0018653.

Allele frequency attached by ClinVar (database versions not stated): gnomAD exomes below 0.00001 and 0.00004; gnomAD 0.00001; TOPMed 0.00001.
gnomAD v4.1: 61 of 1,611,948 alleles (0.0038%); highest among the groups gnomAD compares: Non-Finnish European, 0.0049%; no homozygotes.

Submissions (3):

Labcorp Genetics (formerly Invitae), Labcorp
Classification: Likely benign. Last evaluated: 2026-01-05. Review status: criteria provided, single submitter. Criteria: Invitae Variant Classification Sherloc (09022015). Collection method: clinical testing. Allele origin: germline.

Department of Pathology and Laboratory Medicine, Sinai Health System
Classification: Likely benign for Polymerase proofreading-related adenomatous polyposis; Familial colorectal cancer type X. Last evaluated: 2022-10-19. Review status: criteria provided, single submitter. Criteria: ACMG Guidelines, 2015. Collection method: clinical testing. Allele origin: germline. Affected: yes.

GeneDx
Classification: Likely benign. Last evaluated: 2017-10-10. Review status: criteria provided, single submitter. Criteria: GeneDx Variant Classification (06012015). Collection method: clinical testing. Allele origin: germline. Affected: yes.
Comment: This variant is considered likely benign or benign based on one or more of the following criteria: it is a conservative change, it occurs at a poorly conserved position in the protein, it is predicted to be benign by multiple in silico algorithms, and/or has population frequency not consistent with disease.

NM_006231.4(POLE):c.1474-7C>T

Gene: POLE (DNA polymerase epsilon, catalytic subunit; minus strand). Cytogenetic location: 12q24.33.
Variant type: single nucleotide variant.
Coding change: c.1474-7C>T on transcript NM_006231.4 (MANE Select); 7 bases into the intron before coding-DNA position 1474, C replaced by T.
Molecular consequence: intron variant.
Genome position (GRCh38, 1-based): chr12:132,672,846, G>A on the plus strand (C>T on the coding strand, the complement: POLE is on the minus strand). VCF-style: chr12-132672846-G-A. GRCh37 (hg19) VCF-style: chr12-133249432-G-A.
Identifiers: ClinVar variation 473458 (VCV000473458.12), dbSNP rs1172867643, ClinGen allele CA608514461.